The following is an entry in ClinVar:

ClinVar aggregate classification (germline): Uncertain significance (1 of 4 stars; one submission).

Allele frequency attached by ClinVar (database versions not stated): ExAC 0.00002; gnomAD 0.00003; TOPMed 0.00006; ESP Exome Variant Server 0.00008.
gnomAD v4.1: 7 of 1,613,028 alleles (0.00043%); highest among the groups gnomAD compares: African/African-American, 0.008%; no homozygotes.

Submission:

Labcorp Genetics (formerly Invitae), Labcorp
Classification: Uncertain significance. Last evaluated: 2023-03-04. Review status: criteria provided, single submitter. Criteria: Invitae Variant Classification Sherloc (09022015). Collection method: clinical testing. Allele origin: germline.
Comment: This sequence change replaces arginine, which is basic and polar, with glycine, which is neutral and non-polar, at codon 508 of the AK7 protein (p.Arg508Gly). This variant is present in population databases (rs367874649, gnomAD 0.02%). This variant has not been reported in the literature in individuals affected with AK7-related conditions. Advanced modeling of protein sequence and biophysical properties (such as structural, functional, and spatial information, amino acid conservation, physicochemical variation, residue mobility, and thermodynamic stability) performed at Invitae indicates that this missense variant is not expected to disrupt AK7 protein function. In summary, the available evidence is currently insufficient to determine the role of this variant in disease. Therefore, it has been classified as a Variant of Uncertain Significance.

NM_152327.5(AK7):c.1522A>G (p.Arg508Gly)

Gene: AK7 (adenylate kinase 7; plus strand). Cytogenetic location: 14q32.2.
Variant type: single nucleotide variant.
Coding change: c.1522A>G on transcript NM_152327.5 (MANE Select); coding-DNA position 1522, A replaced by G.
Protein change: p.Arg508Gly; replaces arginine 508 with glycine.
Molecular consequence: missense variant. On other transcripts: intron variant (3).
Genome position (GRCh38, 1-based): chr14:96,472,722, A>G. VCF-style: chr14-96472722-A-G. GRCh37 (hg19) VCF-style: chr14-96939059-A-G.
Other names: c.1444A>G, p.Arg482Gly (NM_001350891.2); c.1486+1116A>G (NM_001350888.2, NM_001350890.2); c.1358-5743A>G (NM_001350892.2); short protein forms R482G, R508G.
Identifiers: ClinVar variation 2904285 (VCV002904285.2), dbSNP rs367874649, ClinGen allele CA7337872.